The following is an entry in ClinVar:

ClinVar aggregate classification (germline): Uncertain significance. Review status: criteria provided, multiple submitters, no conflicts (2 of 4 stars). 2 submissions from 2 submitters: Uncertain significance (2). Last evaluated 2025-11-19.

Conditions:
Familial cancer of breast. Also called: Hereditary breast cancer; hereditary breast carcinoma; BREAST CANCER, FAMILIAL. Identifiers: Orphanet 227535, MedGen C0346153, MONDO:0016419, OMIM 114480. Disease mechanism: loss of function.
Hereditary cancer-predisposing syndrome. Also called: Hereditary neoplastic syndrome; Tumor predisposition; Neoplastic Syndromes, Hereditary; Hereditary Cancer Syndrome. Identifiers: Orphanet 140162, MedGen C0027672, MeSH D009386, MONDO:0015356.

Allele frequency attached by ClinVar (database versions not stated): TOPMed below 0.00001; gnomAD 0.00001.
gnomAD v4.1: 1 of 1,607,934 alleles (0.000062%); highest among the groups gnomAD compares: African/African-American, 0.0013%; no homozygotes.

Submissions (2):

Ambry Genetics
Classification: Uncertain significance for Hereditary cancer-predisposing syndrome. Last evaluated: 2025-11-19. Review status: criteria provided, single submitter. Criteria: Ambry Variant Classification Scheme 2023. Collection method: clinical testing. Allele origin: germline.
Comment: The p.C933G variant (also known as c.2797T>G), located in coding exon 8 of the PALB2 gene, results from a T to G substitution at nucleotide position 2797. The cysteine at codon 933 is replaced by glycine, an amino acid with highly dissimilar properties. This amino acid position is highly conserved in available vertebrate species. In addition, the in silico prediction for this alteration is inconclusive. Since supporting evidence is limited at this time, the clinical significance of this alteration remains unclear.

Labcorp Genetics (formerly Invitae), Labcorp
Classification: Uncertain significance for Familial cancer of breast. Last evaluated: 2023-08-05. Review status: criteria provided, single submitter. Criteria: Invitae Variant Classification Sherloc (09022015). Collection method: clinical testing. Allele origin: germline.
Comment: This sequence change replaces cysteine, which is neutral and slightly polar, with glycine, which is neutral and non-polar, at codon 933 of the PALB2 protein (p.Cys933Gly). This variant is not present in population databases (gnomAD no frequency). This variant has not been reported in the literature in individuals affected with PALB2-related conditions. ClinVar contains an entry for this variant (Variation ID: 655185). Advanced modeling of protein sequence and biophysical properties (such as structural, functional, and spatial information, amino acid conservation, physicochemical variation, residue mobility, and thermodynamic stability) performed at Invitae indicates that this missense variant is expected to disrupt PALB2 protein function. In summary, the available evidence is currently insufficient to determine the role of this variant in disease. Therefore, it has been classified as a Variant of Uncertain Significance.

NM_024675.4(PALB2):c.2797T>G (p.Cys933Gly)

Gene: PALB2 (partner and localizer of BRCA2; minus strand). Cytogenetic location: 16p12.2.
Variant type: single nucleotide variant.
Coding change: c.2797T>G on transcript NM_024675.4 (MANE Select); coding-DNA position 2797, T replaced by G.
Protein change: p.Cys933Gly; replaces cysteine 933 with glycine.
Molecular consequence: missense variant.
Genome position (GRCh38, 1-based): chr16:23,624,046, A>C on the plus strand (T>G on the coding strand, the complement: PALB2 is on the minus strand). VCF-style: chr16-23624046-A-C. GRCh37 (hg19) VCF-style: chr16-23635367-A-C.
Other names: short protein forms C933G.
Identifiers: ClinVar variation 655185 (VCV000655185.13), dbSNP rs1295650692, ClinGen allele CA395145012.